The following is an entry in ClinVar:

NM_001005373.4(LRSAM1):c.73-2A>T

Gene: LRSAM1 (leucine rich repeat and sterile alpha motif containing 1; plus strand). Cytogenetic location: 9q33.3.
Variant type: single nucleotide variant.
Coding change: c.73-2A>T on transcript NM_001005373.4 (MANE Select); the canonical splice acceptor site of the intron before coding-DNA position 73, A replaced by T.
Molecular consequence: splice acceptor variant.
Genome position (GRCh38, 1-based): chr9:127,454,996, A>T. VCF-style: chr9-127454996-A-T. GRCh37 (hg19) VCF-style: chr9-130217275-A-T.
Other names: c.73-2A>T (NM_138361.5, NM_001384142.1, NM_001384143.1 and 2 more transcripts); c.-712-2A>T (NM_001384144.1).
Identifiers: ClinVar variation 2751985 (VCV002751985.3), dbSNP rs2539301850, ClinGen allele CA374961557.

ClinVar aggregate classification (germline): Likely pathogenic (1 of 4 stars; one submission).

Conditions:
Charcot-Marie-Tooth disease axonal type 2P. Also called: CHARCOT-MARIE-TOOTH NEUROPATHY, TYPE 2P; CHARCOT-MARIE-TOOTH DISEASE, AXONAL, TYPE 2G; CMT 2G; Charcot-Marie-Tooth Neuropathy Type 2G. Identifiers: Orphanet 300319, Orphanet 99941, MedGen C3280797, MONDO:0013753, OMIM 614436.

Allele frequency attached by ClinVar (database versions not stated): gnomAD exomes below 0.00001.
gnomAD v4.1: 1 of 1,613,908 alleles (0.000062%); highest among the groups gnomAD compares: Non-Finnish European, 0.000085%; no homozygotes.

Submission:

Labcorp Genetics (formerly Invitae), Labcorp
Classification: Likely pathogenic for Charcot-Marie-Tooth disease axonal type 2P. Last evaluated: 2025-01-06. Review status: criteria provided, single submitter. Criteria: Invitae Variant Classification Sherloc (09022015). Collection method: clinical testing. Allele origin: germline.
Comment: This sequence change affects an acceptor splice site in intron 2 of the LRSAM1 gene. It is expected to disrupt RNA splicing. Variants that disrupt the donor or acceptor splice site typically lead to a loss of protein function (PMID: 16199547), and loss-of-function variants in LRSAM1 are known to be pathogenic (PMID: 20865121, 33414056). This variant is not present in population databases (gnomAD no frequency). This variant has not been reported in the literature in individuals affected with LRSAM1-related conditions. ClinVar contains an entry for this variant (Variation ID: 2751985). Algorithms developed to predict the effect of sequence changes on RNA splicing suggest that this variant may disrupt the consensus splice site. In summary, the currently available evidence indicates that the variant is pathogenic, but additional data are needed to prove that conclusively. Therefore, this variant has been classified as Likely Pathogenic.

Literature cited by the submitters: PubMed 16199547; PubMed 20865121; PubMed 33414056.